The following is an entry in ClinVar:

ClinVar aggregate classification (germline): Uncertain significance. Review status: criteria provided, multiple submitters, no conflicts (2 of 4 stars). 2 submissions from 2 submitters: Uncertain significance (2). Last evaluated 2026-01-05.

Conditions:
Inborn genetic diseases. Identifiers: MedGen C0950123, MeSH D030342.

Allele frequency attached by ClinVar (database versions not stated): gnomAD 0.00001; TOPMed 0.00001.
gnomAD v4.1: 3 of 1,614,050 alleles (0.00019%); highest among the groups gnomAD compares: Admixed American, 0.005%; no homozygotes.

Submissions (2):

Women's Health and Genetics/Laboratory Corporation of America, LabCorp
Classification: Uncertain significance. Last evaluated: 2026-01-05. Review status: criteria provided, single submitter. Criteria: LabCorp Variant Classification Summary - May 2015. Collection method: clinical testing. Allele origin: germline.
Comment: Variant summary: INSR c.1252G>A (p.Glu418Lys) results in a conservative amino acid change in the encoded protein sequence. Algorithms developed to predict the effect of missense changes on protein structure and function are either unavailable or do not agree on the potential impact of this missense change. The variant allele was found at a frequency of 8e-06 in 251370 control chromosomes. The available data on variant occurrences in the general population are insufficient to allow any conclusion about variant significance. To our knowledge, no occurrence of c.1252G>A in individuals affected with INSR-related conditions and no experimental evidence demonstrating its impact on protein function have been reported. ClinVar contains an entry for this variant (Variation ID: 2232050). Based on the evidence outlined above, the variant was classified as uncertain significance.

Ambry Genetics
Classification: Uncertain significance for Inborn genetic diseases. Last evaluated: 2022-03-21. Review status: criteria provided, single submitter. Criteria: Ambry Variant Classification Scheme 2023. Collection method: clinical testing. Allele origin: germline.

NM_000208.4(INSR):c.1252G>A (p.Glu418Lys)

Gene: INSR (insulin receptor; minus strand). Cytogenetic location: 19p13.2.
Variant type: single nucleotide variant.
Coding change: c.1252G>A on transcript NM_000208.4 (MANE Select); coding-DNA position 1252, G replaced by A.
Protein change: p.Glu418Lys; replaces glutamic acid 418 with lysine.
Molecular consequence: missense variant.
Genome position (GRCh38, 1-based): chr19:7,172,306, C>T on the plus strand (G>A on the coding strand, the complement: INSR is on the minus strand). VCF-style: chr19-7172306-C-T. GRCh37 (hg19) VCF-style: chr19-7172317-C-T.
Other names: c.1252G>A, p.Glu418Lys (NM_001079817.3); short protein forms E418K.
Identifiers: ClinVar variation 2232050 (VCV002232050.3), dbSNP rs917968562, ClinGen allele CA304859439.
Genomic context (GRCh38, chr19:7,172,306, plus strand): 5'-TCCTAGTTAGCACTCAGGCCATACACACAATCAGGCCCACGTACCCAATTTCCAAGGTCT[C>T]TCCTCGAATCAGACGTAACTTCCGGAAGAAGGAAAGTGACACCAGAGCGTAGGATCGGCG-3'
Protein context (NP_000199.2, residues 408-428): FFRKLRLIRG[Glu418Lys]TLEIGNYSFY